The following is an entry in ClinVar:

NM_022166.4(XYLT1):c.343G>T (p.Ala115Ser)

Gene: XYLT1 (xylosyltransferase 1; minus strand). Cytogenetic location: 16p12.3.
Variant type: single nucleotide variant.
Coding change: c.343G>T on transcript NM_022166.4 (MANE Select); coding-DNA position 343, G replaced by T.
Protein change: p.Ala115Ser; replaces alanine 115 with serine.
Molecular consequence: missense variant.
Genome position (GRCh38, 1-based): chr16:17,470,454, C>A on the plus strand (G>T on the coding strand, the complement: XYLT1 is on the minus strand). VCF-style: chr16-17470454-C-A. GRCh37 (hg19) VCF-style: chr16-17564311-C-A.
Other names: short protein forms A115S.
Identifiers: ClinVar variation 2534 (VCV000002534.16), dbSNP rs61758388, ClinGen allele CA115603.

ClinVar aggregate classification (germline): Benign/Likely benign. Review status: criteria provided, multiple submitters, no conflicts (2 of 4 stars). 7 submissions from 7 submitters: Benign (5); Likely benign (1). 1 of the submissions does not count toward it. Last evaluated 2026-02-01.

Conditions:
Desbuquois dysplasia 2 (DBQD2). Also called: Baratela-Scott syndrome. Identifiers: Orphanet 1425, MedGen C4014294, MONDO:0014343, OMIM 615777.
Autosomal recessive inherited pseudoxanthoma elasticum (PXE). Identifiers: Orphanet 758, MedGen CN032334, MONDO:0009925, OMIM 264800.
PSEUDOXANTHOMA ELASTICUM, MODIFIER OF SEVERITY OF. Identifiers: MedGen C3279392, OMIM 264800.
Desbuquois dysplasia 1 (DBQD1). Also called: MICROMELIC DWARFISM WITH VERTEBRAL AND METAPHYSEAL ABNORMALITIES AND ADVANCED CARPOTARSAL OSSIFICATION; DESBUQUOIS DYSPLASIA 1, KIM VARIANT. Identifiers: Orphanet 1425, MedGen C4012146, MONDO:0009629, OMIM 251450.

Allele frequency attached by ClinVar (database versions not stated): TOPMed 0.01948; gnomAD 0.01832 and 0.01927; gnomAD exomes 0.02733; 1000 Genomes Project 0.00739; 1000 Genomes Project 30x 0.00859; ExAC 0.04878.
gnomAD v4.1: 33,028 of 1,230,650 alleles (2.7%); highest among the groups gnomAD compares: Non-Finnish European, 3.1%; 523 homozygotes.

Submissions (7):

Labcorp Genetics (formerly Invitae), Labcorp
Classification: Benign for Desbuquois dysplasia 1. Last evaluated: 2026-02-01. Review status: criteria provided, single submitter. Criteria: Invitae Variant Classification Sherloc (09022015). Collection method: clinical testing. Allele origin: germline.

Mayo Clinic Laboratories, Mayo Clinic
Classification: Likely benign. Last evaluated: 2024-12-12. Review status: criteria provided, single submitter. Criteria: ACMG Guidelines, 2015. Collection method: clinical testing. Allele origin: germline. Observed: 3 variant alleles.
Comment: BA1, BP4

Department of Pathology and Laboratory Medicine, Sinai Health System
Classification: Benign for Autosomal recessive inherited pseudoxanthoma elasticum; Desbuquois dysplasia 2. Last evaluated: 2023-02-06. Review status: criteria provided, single submitter. Criteria: ACMG Guidelines, 2015. Collection method: research. Allele origin: germline.

Genome-Nilou Lab
Classification: Benign for Desbuquois dysplasia 2. Last evaluated: 2021-12-05. Review status: criteria provided, single submitter. Criteria: ACMG Guidelines, 2015. Collection method: clinical testing. Allele origin: germline. Affected: no.

GeneDx
Classification: Benign. Last evaluated: 2020-09-30. Review status: criteria provided, single submitter. Criteria: GeneDx Variant Classification Process June 2021. Collection method: clinical testing. Allele origin: germline. Affected: yes.
Comment: This variant is associated with the following publications: (PMID: 19014925, 16759312, 16571645)

Breakthrough Genomics
Classification: Benign. Review status: criteria provided, single submitter. Criteria: ACMG Guidelines, 2015. Collection method: not provided. Allele origin: germline. Inheritance: Autosomal recessive inheritance. Affected: yes.

OMIM
Classification: risk factor for PSEUDOXANTHOMA ELASTICUM, MODIFIER OF SEVERITY OF. Last evaluated: 2006-09-01. Review status: no assertion criteria provided. Collection method: literature only. Allele origin: germline. Not counted in ClinVar's aggregate classification.

Literature cited by the submitters: PubMed 16571645 (cited by OMIM).